The following is an entry in ClinVar:

NM_012193.4(FZD4):c.268T>C (p.Cys90Arg)

Gene: FZD4 (frizzled class receptor 4; minus strand). Cytogenetic location: 11q14.2.
Variant type: single nucleotide variant.
Coding change: c.268T>C on transcript NM_012193.4 (MANE Select); coding-DNA position 268, T replaced by C.
Protein change: p.Cys90Arg; replaces cysteine 90 with arginine.
Molecular consequence: missense variant.
Genome position (GRCh38, 1-based): chr11:86,954,818, A>G on the plus strand (T>C on the coding strand, the complement: FZD4 is on the minus strand). VCF-style: chr11-86954818-A-G. GRCh37 (hg19) VCF-style: chr11-86665860-A-G.
Other names: short protein forms C90R.
Identifiers: ClinVar variation 2735718 (VCV002735718.3), dbSNP rs2495873910, ClinGen allele CA382018131.

ClinVar aggregate classification (germline): Uncertain significance (1 of 4 stars; one submission).

Submission:

Labcorp Genetics (formerly Invitae), Labcorp
Classification: Uncertain significance. Last evaluated: 2024-09-24. Review status: criteria provided, single submitter. Criteria: Invitae Variant Classification Sherloc (09022015). Collection method: clinical testing. Allele origin: germline.
Comment: This sequence change replaces cysteine, which is neutral and slightly polar, with arginine, which is basic and polar, at codon 90 of the FZD4 protein (p.Cys90Arg). This variant is not present in population databases (gnomAD no frequency). This missense change has been observed in individuals with exudative vitreoretinopathy (PMID: 27555740, 33302760). Invitae Evidence Modeling of protein sequence and biophysical properties (such as structural, functional, and spatial information, amino acid conservation, physicochemical variation, residue mobility, and thermodynamic stability) has been performed for this missense variant. However, the output from this modeling did not meet the statistical confidence thresholds required to predict the impact of this variant on FZD4 protein function. In summary, the available evidence is currently insufficient to determine the role of this variant in disease. Therefore, it has been classified as a Variant of Uncertain Significance.

Literature cited by the submitters: PubMed 27555740; PubMed 33302760.